The following is an entry in ClinVar:

NM_033305.3(VPS13A):c.649A>G (p.Asn217Asp)

Gene: VPS13A (vacuolar protein sorting 13 homolog A; plus strand). Cytogenetic location: 9q21.2.
Variant type: single nucleotide variant.
Coding change: c.649A>G on transcript NM_033305.3 (MANE Select); coding-DNA position 649, A replaced by G.
Protein change: p.Asn217Asp; replaces asparagine 217 with aspartic acid.
Molecular consequence: missense variant.
Genome position (GRCh38, 1-based): chr9:77,213,267, A>G. VCF-style: chr9-77213267-A-G. GRCh37 (hg19) VCF-style: chr9-79828183-A-G.
Other names: c.649A>G, p.Asn217Asp (NM_001018037.2, NM_001018038.3, NM_015186.4); short protein forms N217D.
Identifiers: ClinVar variation 915062 (VCV000915062.5), dbSNP rs1826073644, ClinGen allele CA373842742.

ClinVar aggregate classification (germline): Uncertain significance. Review status: criteria provided, multiple submitters, no conflicts (2 of 4 stars). 2 submissions from 2 submitters: Uncertain significance (2). Last evaluated 2022-04-10.

Conditions:
VPS13A-related neurodegenerative disease. Also called: VPS13A Disease; Choreaacanthocytosis; Chorea-acanthocytosis; LEVINE-CRITCHLEY SYNDROME; Choreoacanthocytosis; ACANTHOCYTOSIS WITH NEUROLOGIC DISORDER. Identifiers: Orphanet 2388, MedGen C0393576, MONDO:0008695, OMIM 200150.

Allele frequency attached by ClinVar (database versions not stated): gnomAD exomes below 0.00001.
gnomAD v4.1: 1 of 1,613,752 alleles (0.000062%); highest among the groups gnomAD compares: East Asian, 0.0022%; no homozygotes.

Submissions (2):

Labcorp Genetics (formerly Invitae), Labcorp
Classification: Uncertain significance. Last evaluated: 2022-04-10. Review status: criteria provided, single submitter. Criteria: Invitae Variant Classification Sherloc (09022015). Collection method: clinical testing. Allele origin: germline.
Comment: This sequence change replaces asparagine, which is neutral and polar, with aspartic acid, which is acidic and polar, at codon 217 of the VPS13A protein (p.Asn217Asp). This variant is not present in population databases (gnomAD no frequency). This variant has not been reported in the literature in individuals affected with VPS13A-related conditions. ClinVar contains an entry for this variant (Variation ID: 915062). Algorithms developed to predict the effect of missense changes on protein structure and function are either unavailable or do not agree on the potential impact of this missense change (SIFT: "Deleterious"; PolyPhen-2: "Probably Damaging"; Align-GVGD: "Class C0"). In summary, the available evidence is currently insufficient to determine the role of this variant in disease. Therefore, it has been classified as a Variant of Uncertain Significance.

Illumina Laboratory Services, Illumina
Classification: Uncertain significance for VPS13A-related neurodegenerative disease. Last evaluated: 2018-01-13. Review status: criteria provided, single submitter. Criteria: ICSL Variant Classification Criteria 13 December 2019. Collection method: clinical testing. Allele origin: germline.